The following is an entry in ClinVar:

NM_138711.6(PPARG):c.-8-28084A>G

Gene: PPARG (peroxisome proliferator activated receptor gamma; plus strand). Cytogenetic location: 3p25.2.
Variant type: single nucleotide variant.
Coding change: c.-8-28084A>G on transcript NM_138711.6 (MANE Select); 28084 bases into the intron before 8 bases upstream of the start codon, A replaced by G.
Molecular consequence: intron variant. On other transcripts: missense variant (3).
Genome position (GRCh38, 1-based): chr3:12,351,620, A>G. VCF-style: chr3-12351620-A-G. GRCh37 (hg19) VCF-style: chr3-12393119-A-G.
Other names: c.28A>G, p.Ile10Val (NM_001354668.2, NM_001374265.1, NM_015869.5); c.-8-28084A>G (NM_001354666.3, NM_138712.5, NM_005037.7 and 5 more transcripts); c.-435-28084A>G (NM_001354669.2); c.-9+6726A>G (NM_001374262.3); c.-2-28084A>G (NM_001374266.1, NM_001354670.2); short protein forms I10V.
Identifiers: ClinVar variation 3357803 (VCV003357803.1).

ClinVar aggregate classification (germline): Uncertain significance (0 of 4 stars; one submission).

Conditions:
PPARG-related disorder. Also called: PPARG-related disorders; PPARG-related condition.

gnomAD v4.1: 16 of 1,610,906 alleles (0.00099%); highest among the groups gnomAD compares: East Asian, 0.0022%; no homozygotes.

Submission:

PreventionGenetics, part of Exact Sciences
Classification: Uncertain significance for PPARG-related condition. Last evaluated: 2024-01-02. Review status: no assertion criteria provided. Collection method: clinical testing. Allele origin: germline.
Comment: The PPARG c.28A>G variant is predicted to result in the amino acid substitution p.Ile10Val. To our knowledge, this variant has not been reported in the literature. This variant is reported in 0.0097% of alleles in individuals of Ashkenazi Jewish descent in gnomAD. At this time, the clinical significance of this variant is uncertain due to the absence of conclusive functional and genetic evidence.